The following is an entry in ClinVar:

ClinVar aggregate classification (germline): Likely benign (1 of 4 stars; one submission).

Submission:

CeGaT Center for Human Genetics Tuebingen
Classification: Likely benign. Last evaluated: 2025-04-01. Review status: criteria provided, single submitter. Criteria: CeGaT Center For Human Genetics Tuebingen Variant Classification Criteria Version 2. Collection method: clinical testing. Allele origin: germline. Affected: yes. Observed: 1 variant allele.
Comment: PCK2: BP4, BP7

NM_004563.4(PCK2):c.798A>G (p.Leu266=)

Genes: NRL (neural retina leucine zipper; minus strand), PCK2 (phosphoenolpyruvate carboxykinase 2, mitochondrial; plus strand). Cytogenetic location: 14q11.2.
Variant type: single nucleotide variant.
Coding change: c.798A>G on transcript NM_004563.4 (MANE Select); coding-DNA position 798, A replaced by G.
Protein change: p.Leu266=; no amino-acid change (leucine 266 retained).
Molecular consequence: synonymous variant. On other transcripts: intron variant (3).
Genome position (GRCh38, 1-based): chr14:24,099,182, A>G. VCF-style: chr14-24099182-A-G. GRCh37 (hg19) VCF-style: chr14-24568391-A-G.
Other names: c.798A>G, p.Leu266= (NM_001018073.3); c.396A>G, p.Leu132= (NM_001291556.2, NM_001308054.2); c.-28+15540T>C (NM_001354768.3, NM_001354770.2); c.-253-14437T>C (NM_006177.5).
Identifiers: ClinVar variation 3898188 (VCV003898188.7).